The following is an entry in ClinVar:

NM_138694.4(PKHD1):c.*3393C>A

Gene: PKHD1 (PKHD1 ciliary IPT domain containing fibrocystin/polyductin; minus strand). Cytogenetic location: 6p12.3.
Variant type: single nucleotide variant.
Coding change: c.*3393C>A on transcript NM_138694.4 (MANE Select); 3393 bases downstream of the stop codon, C replaced by A.
Molecular consequence: 3 prime UTR variant.
Genome position (GRCh38, 1-based): chr6:51,615,688, G>T on the plus strand (C>A on the coding strand, the complement: PKHD1 is on the minus strand). VCF-style: chr6-51615688-G-T. GRCh37 (hg19) VCF-style: chr6-51480486-G-T.
Identifiers: ClinVar variation 357358 (VCV000357358.6), dbSNP rs2784198, ClinGen allele CA10627223.
Genomic context (GRCh38, chr6:51,615,688, plus strand): 5'-TAATATTTGCATATGATTTACATTTGATTTCCTCATACTCATTTTTGCATATAGTTTGCA[G>T]GCATTTCAATGTATAGTAATTTCATATATTTGGAGTAAGACTGATAGATGGAAGGGAGTC-3'

ClinVar aggregate classification (germline): Benign. Review status: criteria provided, multiple submitters, no conflicts (2 of 4 stars). 2 submissions from 2 submitters: Benign (2). Last evaluated 2018-01-13.

Conditions:
Autosomal recessive polycystic kidney disease (ARPKD). Also called: AR polycystic kidney disease. Identifiers: Orphanet 731, Orphanet 8378, MedGen C0085548, MeSH D017044, MONDO:0009889.

Allele frequency attached by ClinVar (database versions not stated): TOPMed 0.64214; 1000 Genomes Project 30x 0.68192; 1000 Genomes Project 0.68670.

Submissions (2):

Illumina Laboratory Services, Illumina
Classification: Benign for Polycystic kidney disease 4. Last evaluated: 2018-01-13. Review status: criteria provided, single submitter. Criteria: ICSL Variant Classification Criteria 13 December 2019. Collection method: clinical testing. Allele origin: germline.
Comment: This variant was observed in the ICSL laboratory as part of a predisposition screen in an ostensibly healthy population. It had not been previously curated by ICSL or reported in the Human Gene Mutation Database (HGMD: prior to June 1st, 2018), and was therefore a candidate for classification through an automated scoring system. Utilizing variant allele frequency, disease prevalence and penetrance estimates, and inheritance mode, an automated score was calculated to assess if this variant is too frequent to cause the disease. Based on the score and internal cut-off values, a variant classified as benign is not then subjected to further curation. The score for this variant resulted in a classification of benign for this disease.

Department of Pathology and Laboratory Medicine, Sinai Health System
Classification: Benign for autosomal recessive polycystic kidney disease. Last evaluated: 2016-02-19. Review status: criteria provided, single submitter. Criteria: ACMG Guidelines, 2015. Collection method: clinical testing. Allele origin: germline.